The following is an entry in ClinVar:

ClinVar aggregate classification (germline): Likely benign. Review status: criteria provided, multiple submitters, no conflicts (2 of 4 stars). 4 submissions from 4 submitters: Likely benign (4). Last evaluated 2025-12-02.

Conditions:
Familial cold autoinflammatory syndrome 4 (FCAS4). Identifiers: Orphanet 47045, Orphanet 576349, MedGen C4015276, MONDO:0014498, OMIM 616115.
Periodic fever-infantile enterocolitis-autoinflammatory syndrome. Also called: Autoinflammation with infantile enterocolitis. Identifiers: Orphanet 436166, MedGen C4015067, MONDO:0014472, OMIM 616050.

Allele frequency attached by ClinVar (database versions not stated): gnomAD exomes 0.00006 and 0.00004; 1000 Genomes Project 30x 0.00125; ESP Exome Variant Server 0.00008; TOPMed 0.00024; gnomAD 0.00029 and 0.00025; 1000 Genomes Project 0.00160; ExAC 0.00012.

Submissions (4):

Women's Health and Genetics/Laboratory Corporation of America, LabCorp
Classification: Likely benign. Last evaluated: 2025-12-02. Review status: criteria provided, single submitter. Criteria: LabCorp Variant Classification Summary - May 2015. Collection method: clinical testing. Allele origin: germline.
Comment: Variant summary: NLRC4 c.2177T>C (p.Ile726Thr) results in a non-conservative amino acid change in the encoded protein sequence. Algorithms developed to predict the effect of missense changes on protein structure and function are either unavailable or do not agree on the potential impact of this missense change. The variant allele was found at a frequency of 6.4e-05 in 251372 control chromosomes. The observed variant frequency exceeds the estimated maximal expected allele frequency for disease-causing variants in NLRC4. To our knowledge, no occurrence of c.2177T>C in individuals affected with NLRC4-related conditions and no experimental evidence demonstrating its impact on protein function have been reported. ClinVar contains an entry for this variant (Variation ID: 1109879). Based on the evidence outlined above, the variant was classified as likely benign.

Labcorp Genetics (formerly Invitae), Labcorp
Classification: Likely benign for Periodic fever-infantile enterocolitis-autoinflammatory syndrome; Familial cold autoinflammatory syndrome 4. Last evaluated: 2025-07-16. Review status: criteria provided, single submitter. Criteria: Invitae Variant Classification Sherloc (09022015). Collection method: clinical testing. Allele origin: germline.

CeGaT Center for Human Genetics Tuebingen
Classification: Likely benign. Last evaluated: 2024-01-01. Review status: criteria provided, single submitter. Criteria: CeGaT Center For Human Genetics Tuebingen Variant Classification Criteria Version 2. Collection method: clinical testing. Allele origin: germline. Affected: yes. Observed: 1 variant allele.
Comment: NLRC4: BP4

Breakthrough Genomics
Classification: Likely benign. Review status: criteria provided, single submitter. Criteria: ACMG Guidelines, 2015. Collection method: not provided. Allele origin: germline. Inheritance: Autosomal dominant inheritance. Affected: yes.

NM_001199138.2(NLRC4):c.2177T>C (p.Ile726Thr)

Gene: NLRC4 (NLR family CARD domain containing 4; minus strand). Cytogenetic location: 2p22.3.
Variant type: single nucleotide variant.
Coding change: c.2177T>C on transcript NM_001199138.2 (MANE Select); coding-DNA position 2177, T replaced by C.
Protein change: p.Ile726Thr; replaces isoleucine 726 with threonine.
Molecular consequence: missense variant. On other transcripts: intron variant (1).
Genome position (GRCh38, 1-based): chr2:32,249,687, A>G on the plus strand (T>C on the coding strand, the complement: NLRC4 is on the minus strand). VCF-style: chr2-32249687-A-G. GRCh37 (hg19) VCF-style: chr2-32474756-A-G.
Other names: c.2177T>C, p.Ile726Thr (NM_001199139.2, NM_021209.5); c.262+2732T>C (NM_001302504.1); short protein forms I726T.
Identifiers: ClinVar variation 1109879 (VCV001109879.33), dbSNP rs143970368, ClinGen allele CA1601868.